The following is an entry in ClinVar:

NM_001291303.3(FAT4):c.3515C>T (p.Thr1172Ile)

Gene: FAT4 (FAT atypical cadherin 4; plus strand). Cytogenetic location: 4q28.1.
Variant type: single nucleotide variant.
Coding change: c.3515C>T on transcript NM_001291303.3 (MANE Select); coding-DNA position 3515, C replaced by T.
Protein change: p.Thr1172Ile; replaces threonine 1172 with isoleucine.
Molecular consequence: missense variant.
Genome position (GRCh38, 1-based): chr4:125,319,926, C>T. VCF-style: chr4-125319926-C-T. GRCh37 (hg19) VCF-style: chr4-126241081-C-T.
Other names: c.3515C>T, p.Thr1172Ile (NM_001291285.3, NM_024582.6); c.3515C>T (NM_001291303.1, NM_024582.5); short protein forms T1172I.
Identifiers: ClinVar variation 1636314 (VCV001636314.12), dbSNP rs535333070, ClinGen allele CA3072323.

ClinVar aggregate classification (germline): Conflicting classifications of pathogenicity. Review status: criteria provided, conflicting classifications (1 of 4 stars). 4 submissions from 4 submitters: Uncertain significance (2); Benign (1); Likely benign (1). Last evaluated 2025-08-27.

Conditions:
Hennekam lymphangiectasia-lymphedema syndrome 2 (HKLLS2). Identifiers: Orphanet 2136, MedGen C4014939, MONDO:0014454, OMIM 616006.
Van Maldergem syndrome 2 (VMLDS2). Identifiers: Orphanet 314679, MedGen C3809875, MONDO:0014242, OMIM 615546.
FAT4-related disorder. Also called: FAT4-related condition.

Allele frequency attached by ClinVar (database versions not stated): TOPMed 0.00001; gnomAD 0.00006; 1000 Genomes Project 0.00100; 1000 Genomes Project 30x 0.00109.
gnomAD v4.1: 205 of 1,613,832 alleles (0.013%); highest among the groups gnomAD compares: South Asian, 0.21%; 2 homozygotes.

Submissions (4):

PreventionGenetics, part of Exact Sciences
Classification: Likely benign for FAT4-related condition. Last evaluated: 2025-08-27. Review status: criteria provided, single submitter. Criteria: ACMG Guidelines, 2015. Collection method: clinical testing. Allele origin: germline.
Comment: This variant is classified as likely benign based on ACMG/AMP sequence variant interpretation guidelines (Richards et al. 2015 PMID: 25741868, with internal and published modifications).

Labcorp Genetics (formerly Invitae), Labcorp
Classification: Benign. Last evaluated: 2025-07-23. Review status: criteria provided, single submitter. Criteria: Invitae Variant Classification Sherloc (09022015). Collection method: clinical testing. Allele origin: germline.

Fulgent Genetics
Classification: Uncertain significance for Van Maldergem syndrome 2; Hennekam lymphangiectasia-lymphedema syndrome 2. Last evaluated: 2024-05-11. Review status: criteria provided, single submitter. Criteria: ACMG Guidelines, 2015. Collection method: clinical testing. Allele origin: germline.

GeneDx
Classification: Uncertain significance. Last evaluated: 2022-04-27. Review status: criteria provided, single submitter. Criteria: GeneDx Variant Classification Process June 2021. Collection method: clinical testing. Allele origin: germline. Affected: yes.
Comment: In silico analysis supports that this missense variant does not alter protein structure/function; Has not been previously published as pathogenic or benign to our knowledge